The following is an entry in ClinVar:

ClinVar aggregate classification (germline): Likely benign (0 of 4 stars; one submission).

Conditions:
KCNK9-related disorder. Also called: KCNK9-related condition.

Allele frequency attached by ClinVar (database versions not stated): TOPMed below 0.00001; gnomAD 0.00001; gnomAD exomes 0.00001; ExAC 0.00004.
gnomAD v4.1: 13 of 1,614,126 alleles (0.00081%); highest among the groups gnomAD compares: East Asian, 0.027%; no homozygotes.

Submission:

PreventionGenetics, part of Exact Sciences
Classification: Likely benign for KCNK9-related condition. Last evaluated: 2019-09-13. Review status: no assertion criteria provided. Collection method: clinical testing. Allele origin: germline.
Comment: This variant is classified as likely benign based on ACMG/AMP sequence variant interpretation guidelines (Richards et al. 2015 PMID: 25741868, with internal and published modifications).

NM_001282534.2(KCNK9):c.582C>T (p.Phe194=)

Gene: KCNK9 (potassium two pore domain channel subfamily K member 9; minus strand). Cytogenetic location: 8q24.3.
Variant type: single nucleotide variant.
Coding change: c.582C>T on transcript NM_001282534.2 (MANE Select); coding-DNA position 582, C replaced by T.
Protein change: p.Phe194=; no amino-acid change (phenylalanine 194 retained).
Molecular consequence: synonymous variant. On other transcripts: non-coding transcript variant (1).
Genome position (GRCh38, 1-based): chr8:139,618,801, G>A on the plus strand (C>T on the coding strand, the complement: KCNK9 is on the minus strand). VCF-style: chr8-139618801-G-A. GRCh37 (hg19) VCF-style: chr8-140631044-G-A.
Other names: c.582C>T, p.Phe194= (NM_016601.2).
Identifiers: ClinVar variation 3040050 (VCV003040050.2), dbSNP rs758375356, ClinGen allele CA4892599.
Genomic context (GRCh38, chr8:139,618,801, plus strand): 5'-CAGGGCACCCTTGGTCTGCAGGGCCACGTAGTCCCCGAACCCAATGGTAGTCAACGTGAT[G>A]AAGCAGTAGTAGTAGGCGTGGAAGAAGCTCCACTCCTCACACTGGGAGAAGGCGGCCGCC-3'
Protein context (NP_001269463.1, residues 184-204): WSFFHAYYYC[Phe194=]ITLTTIGFGD